The following is an entry in ClinVar:

ClinVar aggregate classification (germline): Uncertain significance (1 of 4 stars; one submission).

Conditions:
Epidermolysis bullosa simplex 3, localized or generalized intermediate, with BP230 deficiency (EBS3). Also called: Epidermolysis bullosa simplex, autosomal recessive 2; Epidermolysis bullosa simplex due to BP230 deficiency. Identifiers: Orphanet 412181, MedGen C3809470, MONDO:0014180, OMIM 615425.
Hereditary sensory and autonomic neuropathy type 6. Also called: Neuropathy, hereditary sensory and autonomic, type VI; HSAN VI. Identifiers: Orphanet 314381, MedGen C3539003, MONDO:0013839, OMIM 614653.

Submission:

Labcorp Genetics (formerly Invitae), Labcorp
Classification: Uncertain significance for Epidermolysis bullosa simplex 3, localized or generalized intermediate, with BP230 deficiency; Hereditary sensory and autonomic neuropathy type 6. Last evaluated: 2022-09-27. Review status: criteria provided, single submitter. Criteria: Invitae Variant Classification Sherloc (09022015). Collection method: clinical testing. Allele origin: germline.
Comment: In summary, the available evidence is currently insufficient to determine the role of this variant in disease. Therefore, it has been classified as a Variant of Uncertain Significance. Experimental studies and prediction algorithms are not available or were not evaluated, and the functional significance of this variant is currently unknown. The DST gene has multiple clinically relevant transcripts. This variant occurs in alternate transcript NM_015548.4, and corresponds to NM_001723.5:c.*97919A>G in the primary transcript. This sequence change replaces glutamic acid, which is acidic and polar, with glycine, which is neutral and non-polar, at codon 3428 of the DST protein (p.Glu3428Gly). This variant is not present in population databases (gnomAD no frequency). This variant has not been reported in the literature in individuals affected with DST-related conditions.

NM_001374736.1(DST):c.18152A>G (p.Glu6051Gly)

Gene: DST (dystonin; minus strand). Cytogenetic location: 6p12.1.
Variant type: single nucleotide variant.
Coding change: c.18152A>G on transcript NM_001374736.1 (MANE Select); coding-DNA position 18152, A replaced by G.
Protein change: p.Glu6051Gly; replaces glutamic acid 6051 with glycine.
Molecular consequence: missense variant.
Genome position (GRCh38, 1-based): chr6:56,517,598, T>C on the plus strand (A>G on the coding strand, the complement: DST is on the minus strand). VCF-style: chr6-56517598-T-C. GRCh37 (hg19) VCF-style: chr6-56382396-T-C.
Other names: c.11795A>G, p.Glu3932Gly (NM_001144769.5); c.11381A>G, p.Glu3794Gly (NM_001144770.2); c.18152A>G, p.Glu6051Gly (NM_001374722.1); c.17192A>G, p.Glu5731Gly (NM_001374729.1); c.10934A>G, p.Glu3645Gly (NM_001374730.1); c.18179A>G, p.Glu6060Gly (NM_001374734.1); c.11261A>G, p.Glu3754Gly (NM_001386100.1, NM_183380.4); c.10283A>G, p.Glu3428Gly (NM_015548.5); short protein forms E3754G, E6051G, E6060G, E3645G, E3932G, E3428G, E3794G, E5731G.
Identifiers: ClinVar variation 2023800 (VCV002023800.4), dbSNP rs2534532177, ClinGen allele CA364504405.